The following is an entry in ClinVar:

ClinVar aggregate classification (germline): Uncertain significance. Review status: criteria provided, multiple submitters, no conflicts (2 of 4 stars). 2 submissions from 2 submitters: Uncertain significance (2). Last evaluated 2025-03-31.

Conditions:
Inborn genetic diseases. Identifiers: MedGen C0950123, MeSH D030342.
Bethlem myopathy 1A. Also called: Bethlem myopathy 1; MYOPATHY, BENIGN CONGENITAL, WITH CONTRACTURES; Bethlem Muscular Dystrophy. Identifiers: Orphanet 610, MedGen CN029274, MONDO:0024530, OMIM 158810.

gnomAD v4.1: 3 of 1,612,534 alleles (0.00019%); highest among the groups gnomAD compares: East Asian, 0.0045%; no homozygotes.

Submissions (2):

Ambry Genetics
Classification: Uncertain significance for Inborn genetic diseases. Last evaluated: 2025-03-31. Review status: criteria provided, single submitter. Criteria: Ambry Variant Classification Scheme 2023. Collection method: clinical testing. Allele origin: germline.

Labcorp Genetics (formerly Invitae), Labcorp
Classification: Uncertain significance for Bethlem myopathy 1A. Last evaluated: 2024-09-01. Review status: criteria provided, single submitter. Criteria: Invitae Variant Classification Sherloc (09022015). Collection method: clinical testing. Allele origin: germline.
Comment: This sequence change replaces alanine, which is neutral and non-polar, with serine, which is neutral and polar, at codon 139 of the COL6A2 protein (p.Ala139Ser). The frequency data for this variant in the population databases is considered unreliable, as metrics indicate poor data quality at this position in the gnomAD database. This variant has not been reported in the literature in individuals affected with COL6A2-related conditions. Invitae Evidence Modeling of protein sequence and biophysical properties (such as structural, functional, and spatial information, amino acid conservation, physicochemical variation, residue mobility, and thermodynamic stability) indicates that this missense variant is not expected to disrupt COL6A2 protein function with a negative predictive value of 80%. In summary, the available evidence is currently insufficient to determine the role of this variant in disease. Therefore, it has been classified as a Variant of Uncertain Significance.

NM_001849.4(COL6A2):c.415G>T (p.Ala139Ser)

Gene: COL6A2 (collagen type VI alpha 2 chain; plus strand). Cytogenetic location: 21q22.3.
Variant type: single nucleotide variant.
Coding change: c.415G>T on transcript NM_001849.4 (MANE Select); coding-DNA position 415, G replaced by T.
Protein change: p.Ala139Ser; replaces alanine 139 with serine.
Molecular consequence: missense variant.
Genome position (GRCh38, 1-based): chr21:46,112,278, G>T. VCF-style: chr21-46112278-G-T. GRCh37 (hg19) VCF-style: chr21-47532192-G-T.
Other names: c.415G>T, p.Ala139Ser (NM_058174.3, NM_058175.3); short protein forms A139S.
Identifiers: ClinVar variation 3613143 (VCV003613143.3).